The following is an entry in ClinVar:

ClinVar aggregate classification (germline): Likely benign. Review status: criteria provided, multiple submitters, no conflicts (2 of 4 stars). 5 submissions from 5 submitters: Likely benign (3). 2 of the submissions do not count toward it. Last evaluated 2025-12-15.

Conditions:
Cardiovascular phenotype. Identifiers: MedGen CN230736.
MYPN-related disorder. Also called: MYPN-related condition.
Dilated cardiomyopathy 1KK (CMD1KK). Identifiers: Orphanet 154, Orphanet 75249, MedGen C3714995, MONDO:0014100, OMIM 615248.

Allele frequency attached by ClinVar (database versions not stated): gnomAD 0.00007; gnomAD exomes 0.00007; ExAC 0.00008; TOPMed 0.00010; ESP Exome Variant Server 0.00015.
gnomAD v4.1: 117 of 1,614,238 alleles (0.0072%); highest among the groups gnomAD compares: Middle Eastern, 0.12%; no homozygotes.

Submissions (5):

Labcorp Genetics (formerly Invitae), Labcorp
Classification: Likely benign for Dilated cardiomyopathy 1KK. Last evaluated: 2025-12-15. Review status: criteria provided, single submitter. Criteria: Invitae Variant Classification Sherloc (09022015). Collection method: clinical testing. Allele origin: germline.

Women's Health and Genetics/Laboratory Corporation of America, LabCorp
Classification: Likely benign. Last evaluated: 2025-11-25. Review status: criteria provided, single submitter. Criteria: LabCorp Variant Classification Summary - May 2015. Collection method: clinical testing. Allele origin: germline.

Ambry Genetics
Classification: Likely benign for Cardiovascular phenotype. Last evaluated: 2019-12-12. Review status: criteria provided, single submitter. Criteria: Ambry Variant Classification Scheme 2023. Collection method: clinical testing. Allele origin: germline.

PreventionGenetics, part of Exact Sciences
Classification: Likely benign for MYPN-related condition. Last evaluated: 2019-06-06. Review status: no assertion criteria provided. Collection method: clinical testing. Allele origin: germline. Not counted in ClinVar's aggregate classification.
Comment: This variant is classified as likely benign based on ACMG/AMP sequence variant interpretation guidelines (Richards et al. 2015 PMID: 25741868, with internal and published modifications).

Leiden Muscular Dystrophy (MYPN)
No classification provided. Last evaluated: 2012-04-27. Review status: no classification provided. Collection method: curation. Allele origin: germline. Not counted in ClinVar's aggregate classification.

NM_032578.4(MYPN):c.420T>C (p.Tyr140=)

Gene: MYPN (myopalladin; plus strand). Cytogenetic location: 10q21.3.
Variant type: single nucleotide variant.
Coding change: c.420T>C on transcript NM_032578.4 (MANE Select); coding-DNA position 420, T replaced by C.
Protein change: p.Tyr140=; no amino-acid change (tyrosine 140 retained).
Molecular consequence: synonymous variant. On other transcripts: 5 prime UTR variant (1), non-coding transcript variant (1).
Genome position (GRCh38, 1-based): chr10:68,121,858, T>C. VCF-style: chr10-68121858-T-C. GRCh37 (hg19) VCF-style: chr10-69881615-T-C.
Other names: c.420T>C, p.Tyr140= (NM_001256267.2); c.-703T>C (NM_001256268.2).
Identifiers: ClinVar variation 31801 (VCV000031801.15), dbSNP rs71578990, ClinGen allele CA215298.